The following is an entry in ClinVar:

NM_001042492.3(NF1):c.2023G>C (p.Gly675Arg)

Gene: NF1 (neurofibromin 1; plus strand). Cytogenetic location: 17q11.2.
Variant type: single nucleotide variant.
Coding change: c.2023G>C on transcript NM_001042492.3 (MANE Select); coding-DNA position 2023, G replaced by C.
Protein change: p.Gly675Arg; replaces glycine 675 with arginine.
Molecular consequence: missense variant.
Genome position (GRCh38, 1-based): chr17:31,226,456, G>C. VCF-style: chr17-31226456-G-C. GRCh37 (hg19) VCF-style: chr17-29553474-G-C.
Other names: c.2023G>C, p.Gly675Arg (NM_000267.4); short protein forms G675R.
Identifiers: ClinVar variation 1321067 (VCV001321067.5), dbSNP rs779546178, ClinGen allele CA398982031.

ClinVar aggregate classification (germline): Conflicting classifications of pathogenicity. Review status: criteria provided, conflicting classifications (1 of 4 stars). 3 submissions from 3 submitters: Uncertain significance (2); Benign (1). Last evaluated 2025-05-12.

Conditions:
Hereditary cancer-predisposing syndrome. Also called: Neoplastic Syndromes, Hereditary; Hereditary Cancer Syndrome; Tumor predisposition; Hereditary neoplastic syndrome. Identifiers: Orphanet 140162, MedGen C0027672, MeSH D009386, MONDO:0015356.
Cardiovascular phenotype. Identifiers: MedGen CN230736.
Neurofibromatosis, type 1 (NF1). Also called: NEUROFIBROMATOSIS, TYPE I, SOMATIC; Peripheral type neurofibromatosis; Neurofibromatosis, type I; VON RECKLINGHAUSEN DISEASE. Identifiers: Orphanet 636, MedGen C0027831, MONDO:0018975, OMIM 162200. Disease mechanism: loss of function.

gnomAD v4.1: 1 of 1,613,602 alleles (0.000062%); highest among the groups gnomAD compares: Non-Finnish European, 0.000085%; no homozygotes.

Submissions (3):

Ambry Genetics
Classification: Uncertain significance for Cardiovascular phenotype; Hereditary cancer-predisposing syndrome. Last evaluated: 2025-05-12. Review status: criteria provided, single submitter. Criteria: Ambry Variant Classification Scheme 2023. Collection method: clinical testing. Allele origin: germline.
Comment: The p.G675R variant (also known as c.2023G>C), located in coding exon 18 of the NF1 gene, results from a G to C substitution at nucleotide position 2023. The glycine at codon 675 is replaced by arginine, an amino acid with dissimilar properties. This amino acid position is highly conserved in available vertebrate species. In addition, the in silico prediction for this alteration is inconclusive. Based on the available evidence, the clinical significance of this variant remains unclear.

Labcorp Genetics (formerly Invitae), Labcorp
Classification: Benign for Neurofibromatosis, type 1. Last evaluated: 2025-03-19. Review status: criteria provided, single submitter. Criteria: Invitae Variant Classification Sherloc (09022015). Collection method: clinical testing. Allele origin: germline.

GeneDx
Classification: Uncertain significance. Last evaluated: 2019-10-08. Review status: criteria provided, single submitter. Criteria: GeneDx Variant Classification Process June 2021. Collection method: clinical testing. Allele origin: germline. Affected: yes.
Comment: Not observed in large population cohorts (Lek 2016); In silico analysis, which includes protein predictors and evolutionary conservation, supports that this variant does not alter protein structure/function; Has not been previously published as pathogenic or benign to our knowledge